The following is an entry in ClinVar:

ClinVar aggregate classification (germline): Uncertain significance (1 of 4 stars; one submission).

Submission:

GeneDx
Classification: Uncertain significance. Last evaluated: 2025-07-18. Review status: criteria provided, single submitter. Criteria: GeneDx Variant Classification Process June 2021. Collection method: clinical testing. Allele origin: germline. Affected: yes.
Comment: Not observed at significant frequency in large population cohorts (gnomAD); Nonsense variant predicted to result in protein truncation as the last 562 amino acid(s) are lost; Has not been previously published as pathogenic or benign to our knowledge.

NM_020754.4(ARHGAP31):c.2647C>T (p.Gln883Ter)

Gene: ARHGAP31 (Rho GTPase activating protein 31; plus strand). Cytogenetic location: 3q13.33.
Variant type: single nucleotide variant.
Coding change: c.2647C>T on transcript NM_020754.4 (MANE Select); coding-DNA position 2647, C replaced by T.
Protein change: p.Gln883Ter; replaces glutamine 883 with a stop codon.
Molecular consequence: nonsense.
Genome position (GRCh38, 1-based): chr3:119,414,576, C>T. VCF-style: chr3-119414576-C-T. GRCh37 (hg19) VCF-style: chr3-119133423-C-T.
Other names: short protein forms Q883*.
Identifiers: ClinVar variation 4686496 (VCV004686496.1).
Genomic context (GRCh38, chr3:119,414,576, plus strand): 5'-AGCCCAACCAGGGAGGTTGAGATCGTCTCACAAGAAGAGGAGGATGTAACCCATTCAGTA[C>T]AGGAGCCTTCAGACTGTGACGAAGATGACACTGTGACAGACATTGCCCAGCATGGCCTGG-3'